The following is an entry in ClinVar:

ClinVar aggregate classification (germline): Conflicting classifications of pathogenicity. Review status: criteria provided, conflicting classifications (1 of 4 stars). 3 submissions from 3 submitters: Uncertain significance (2); Likely benign (1). Last evaluated 2026-01-21.

Allele frequency attached by ClinVar (database versions not stated): 1000 Genomes Project 30x 0.00016; 1000 Genomes Project 0.00020.
gnomAD v4.1: 325 of 1,613,852 alleles (0.02%); highest among the groups gnomAD compares: Non-Finnish European, 0.02%; no homozygotes.

Submissions (3):

Labcorp Genetics (formerly Invitae), Labcorp
Classification: Likely benign. Last evaluated: 2026-01-21. Review status: criteria provided, single submitter. Criteria: Invitae Variant Classification Sherloc (09022015). Collection method: clinical testing. Allele origin: germline.

GeneDx
Classification: Uncertain significance. Last evaluated: 2022-11-30. Review status: criteria provided, single submitter. Criteria: GeneDx Variant Classification Process June 2021. Collection method: clinical testing. Allele origin: germline. Affected: yes.
Comment: In silico analysis supports that this missense variant does not alter protein structure/function; This variant is associated with the following publications: (PMID: 29444371, 30916489)

CeGaT Center for Human Genetics Tuebingen
Classification: Uncertain significance. Last evaluated: 2021-06-01. Review status: criteria provided, single submitter. Criteria: CeGaT Center For Human Genetics Tuebingen Variant Classification Criteria Version 2. Collection method: clinical testing. Allele origin: germline. Affected: yes. Observed: 1 variant allele.

NM_173076.3(ABCA12):c.2638G>C (p.Val880Leu)

Gene: ABCA12 (ATP binding cassette subfamily A member 12; minus strand). Cytogenetic location: 2q35.
Variant type: single nucleotide variant.
Coding change: c.2638G>C on transcript NM_173076.3 (MANE Select); coding-DNA position 2638, G replaced by C.
Protein change: p.Val880Leu; replaces valine 880 with leucine.
Molecular consequence: missense variant. On other transcripts: non-coding transcript variant (1).
Genome position (GRCh38, 1-based): chr2:215,004,254, C>G on the plus strand (G>C on the coding strand, the complement: ABCA12 is on the minus strand). VCF-style: chr2-215004254-C-G. GRCh37 (hg19) VCF-style: chr2-215868978-C-G.
Other names: c.1684G>C, p.Val562Leu (NM_015657.4); short protein forms V562L, V880L.
Identifiers: ClinVar variation 1156533 (VCV001156533.45), dbSNP rs146002078, ClinGen allele CA2091909.
Genomic context (GRCh38, chr2:215,004,254, plus strand): 5'-TGAATTTGGACTCACCGAGTTCATCTATCTGTTTCAATAGTTCAACAGCATCGAGTCCCA[C>G]GGAGAACTTTACAAAAACTTGCACAAAAGGGTTCCTTAGAGTATTCTAACAAATAATAAT-3'
Protein context (NP_775099.2, residues 870-890): PFVQVFVKFS[Val880Leu]GLDAVELLKQ